The following is an entry in ClinVar:

NM_001297595.2(SIN3B):c.362A>G (p.Gln121Arg)

Gene: SIN3B (SIN3 transcription regulator family member B; plus strand). Cytogenetic location: 19p13.11.
Variant type: single nucleotide variant.
Coding change: c.362A>G on transcript NM_001297595.2 (MANE Select); coding-DNA position 362, A replaced by G.
Protein change: p.Gln121Arg; replaces glutamine 121 with arginine.
Molecular consequence: missense variant.
Genome position (GRCh38, 1-based): chr19:16,831,628, A>G. VCF-style: chr19-16831628-A-G. GRCh37 (hg19) VCF-style: chr19-16942439-A-G.
Other names: c.362A>G, p.Gln121Arg (NM_015260.4); short protein forms Q121R.
Identifiers: ClinVar variation 1959907 (VCV001959907.5), dbSNP rs368592710, ClinGen allele CA9282796.

ClinVar aggregate classification (germline): Uncertain significance (1 of 4 stars; one submission).

Allele frequency attached by ClinVar (database versions not stated): ExAC 0.00001; gnomAD 0.00001; gnomAD exomes 0.00001; TOPMed 0.00001; ESP Exome Variant Server 0.00008.
gnomAD v4.1: 13 of 1,613,946 alleles (0.00081%); highest among the groups gnomAD compares: Non-Finnish European, 0.001%; no homozygotes.

Submission:

Labcorp Genetics (formerly Invitae), Labcorp
Classification: Uncertain significance. Last evaluated: 2022-10-04. Review status: criteria provided, single submitter. Criteria: Invitae Variant Classification Sherloc (09022015). Collection method: clinical testing. Allele origin: germline.
Comment: This variant is present in population databases (rs368592710, gnomAD 0.007%). In summary, the available evidence is currently insufficient to determine the role of this variant in disease. Therefore, it has been classified as a Variant of Uncertain Significance. Algorithms developed to predict the effect of missense changes on protein structure and function (SIFT, PolyPhen-2, Align-GVGD) all suggest that this variant is likely to be tolerated. This variant has not been reported in the literature in individuals affected with SIN3B-related conditions. This sequence change replaces glutamine, which is neutral and polar, with arginine, which is basic and polar, at codon 121 of the SIN3B protein (p.Gln121Arg).